The following is an entry in ClinVar:

NM_004304.5(ALK):c.2111C>T (p.Ala704Val)

Gene: ALK (ALK receptor tyrosine kinase; minus strand). Cytogenetic location: 2p23.2.
Variant type: single nucleotide variant.
Coding change: c.2111C>T on transcript NM_004304.5 (MANE Select); coding-DNA position 2111, C replaced by T.
Protein change: p.Ala704Val; replaces alanine 704 with valine.
Molecular consequence: missense variant.
Genome position (GRCh38, 1-based): chr2:29,251,198, G>A on the plus strand (C>T on the coding strand, the complement: ALK is on the minus strand). VCF-style: chr2-29251198-G-A. GRCh37 (hg19) VCF-style: chr2-29474064-G-A.
Other names: short protein forms A704V.
Identifiers: ClinVar variation 1786121 (VCV001786121.3), dbSNP rs2148197497, ClinGen allele CA346477016.
Genomic context (GRCh38, chr2:29,251,198, plus strand): 5'-TGGATGCCTTTCAGGGGGCCCTCGCTCCCCACCTCCACGCTCAGGTTGGAGTTCTGGTAG[G>A]CGTTGTTGCACTGTGCCTGGGTGGGGCCATGGGGCCCGCTGGCCCCACATGTGGTGAACA-3'
Protein context (NP_004295.2, residues 694-714): HGPTQAQCNN[Ala704Val]YQNSNLSVEV

ClinVar aggregate classification (germline): Uncertain significance (1 of 4 stars; one submission).

Conditions:
Hereditary cancer-predisposing syndrome. Also called: Neoplastic Syndromes, Hereditary; Tumor predisposition; Hereditary Cancer Syndrome; Hereditary neoplastic syndrome. Identifiers: Orphanet 140162, MedGen C0027672, MeSH D009386, MONDO:0015356.

Submission:

Ambry Genetics
Classification: Uncertain significance for Hereditary cancer-predisposing syndrome. Last evaluated: 2025-10-24. Review status: criteria provided, single submitter. Criteria: Ambry Variant Classification Scheme 2023. Collection method: clinical testing. Allele origin: germline.
Comment: Based on the available evidence, the clinical significance of this variant remains unclear.The p.A704V variant (also known as c.2111C>T), located in coding exon 12 of the ALK gene, results from a C to T substitution at nucleotide position 2111. The alanine at codon 704 is replaced by valine, an amino acid with similar properties. This amino acid position is not well conserved in available vertebrate species. In addition, the in silico prediction for this alteration is inconclusive.